The following is an entry in ClinVar:

NM_020762.4(SRGAP1):c.936G>A (p.Arg312=)

Gene: SRGAP1 (SLIT-ROBO Rho GTPase activating protein 1; plus strand). Cytogenetic location: 12q14.2.
Variant type: single nucleotide variant.
Coding change: c.936G>A on transcript NM_020762.4 (MANE Select); coding-DNA position 936, G replaced by A.
Protein change: p.Arg312=; no amino-acid change (arginine 312 retained).
Molecular consequence: synonymous variant.
Genome position (GRCh38, 1-based): chr12:64,063,051, G>A. VCF-style: chr12-64063051-G-A. GRCh37 (hg19) VCF-style: chr12-64456831-G-A.
Other names: c.936G>A, p.Arg312= (NM_001346201.2).
Identifiers: ClinVar variation 3345052 (VCV003345052.1).

ClinVar aggregate classification (germline): Likely benign (0 of 4 stars; one submission).

Conditions:
SRGAP1-related disorder. Also called: SRGAP1-related condition.

gnomAD v4.1: 2 of 1,614,070 alleles (0.00012%); highest among the groups gnomAD compares: Middle Eastern, 0.017%; no homozygotes.

Submission:

PreventionGenetics, part of Exact Sciences
Classification: Likely benign for SRGAP1-related condition. Last evaluated: 2024-07-18. Review status: no assertion criteria provided. Collection method: clinical testing. Allele origin: germline.
Comment: This variant is classified as likely benign based on ACMG/AMP sequence variant interpretation guidelines (Richards et al. 2015 PMID: 25741868, with internal and published modifications).